The following is an entry in ClinVar:

ClinVar aggregate classification (germline): Uncertain significance (1 of 4 stars; one submission).

Submission:

GeneDx
Classification: Uncertain significance. Last evaluated: 2024-08-17. Review status: criteria provided, single submitter. Criteria: GeneDx Variant Classification Process June 2021. Collection method: clinical testing. Allele origin: germline. Affected: yes.
Comment: Has not been previously published as pathogenic or benign to our knowledge; In silico analysis supports that this missense variant has a deleterious effect on protein structure/function; Not observed at significant frequency in large population cohorts (gnomAD)

NM_053025.4(MYLK):c.4571G>A (p.Cys1524Tyr)

Gene: MYLK (myosin light chain kinase; minus strand). Cytogenetic location: 3q21.1.
Variant type: single nucleotide variant.
Coding change: c.4571G>A on transcript NM_053025.4 (MANE Select); coding-DNA position 4571, G replaced by A.
Protein change: p.Cys1524Tyr; replaces cysteine 1524 with tyrosine.
Molecular consequence: missense variant.
Genome position (GRCh38, 1-based): chr3:123,647,272, C>T on the plus strand (G>A on the coding strand, the complement: MYLK is on the minus strand). VCF-style: chr3-123647272-C-T. GRCh37 (hg19) VCF-style: chr3-123366119-C-T.
Other names: c.4043G>A, p.Cys1348Tyr (NM_001321309.2); c.4364G>A, p.Cys1455Tyr (NM_053026.4, NM_053028.4); c.4571G>A, p.Cys1524Tyr (NM_053027.4); short protein forms C1348Y, C1455Y, C1524Y.
Identifiers: ClinVar variation 1320516 (VCV001320516.3), dbSNP rs2108177478, ClinGen allele CA354227048.
Genomic context (GRCh38, chr3:123,647,272, plus strand): 5'-TGGGCCACTCACATCTCCAGGACCATGACGATGTTGGCCTTTTCTTCAAAGGCATCCACA[C>T]ACTGGACCAGCTTAGGGTGGTGGAGGCAGTTCATGATGCTAATCTCCTGCCGGATATTCT-3'
Protein context (NP_444253.3, residues 1514-1534): NCLHHPKLVQ[Cys1524Tyr]VDAFEEKANI